The following is an entry in ClinVar:

ClinVar aggregate classification (germline): Uncertain significance (1 of 4 stars; one submission).

Conditions:
Leigh syndrome (NULS). Also called: Leigh's necrotizing encephalopathy; Leigh's disease; Leigh Syndrome (mtDNA deletion); Leigh Disease; Subacute necrotizing encephalopathy; Necrotizing encephalopathy infantile subacute of Leigh. Identifiers: Orphanet 506, MedGen C2931891, MONDO:0009723, OMIM 256000.

Submission:

Wong Mito Lab, Molecular and Human Genetics, Baylor College of Medicine
Classification: Uncertain significance for Leigh syndrome. Last evaluated: 2019-10-17. Review status: criteria provided, single submitter. Criteria: Modified ACMG Guidelines (Unpublished). Collection method: clinical testing. Allele origin: germline.
Comment: The NC_012920.1:m.6909G>A (YP_003024028.1:p.Ala336Thr) variant in MTCO1 gene is interpretated to be a Uncertain Significance variant based on the modified ACMG guidelines (unpublished). This variant meets the following evidence codes: PP7, BP4

NC_012920.1(MT-CO1):m.6909G>A

Gene: MT-CO1 (mitochondrially encoded cytochrome c oxidase I; plus strand).
Variant type: single nucleotide variant.
Genome position: chrM-6909-G-A.
Identifiers: ClinVar variation 692682 (VCV000692682.1), dbSNP rs1603220684, ClinGen allele CA414787181.